The following is an entry in ClinVar:

ClinVar aggregate classification (germline): Uncertain significance (1 of 4 stars; one submission).

Conditions:
Ehlers-Danlos syndrome, dermatosparaxis type. Also called: Dermatosparaxis; Ehlers-Danlos syndrome, type VII, autosomal recessive; EDS VIIC. Identifiers: Orphanet 1901, MedGen C2700425, MONDO:0009161, OMIM 225410.

Submission:

Labcorp Genetics (formerly Invitae), Labcorp
Classification: Uncertain significance for Ehlers-Danlos syndrome, dermatosparaxis type. Last evaluated: 2019-09-19. Review status: criteria provided, single submitter. Criteria: Invitae Variant Classification Sherloc (09022015). Collection method: clinical testing. Allele origin: germline.
Comment: In summary, the available evidence is currently insufficient to determine the role of this variant in disease. Therefore, it has been classified as a Variant of Uncertain Significance. Algorithms developed to predict the effect of missense changes on protein structure and function (SIFT, PolyPhen-2, Align-GVGD) all suggest that this variant is likely to be disruptive, but these predictions have not been confirmed by published functional studies and their clinical significance is uncertain. This variant has not been reported in the literature in individuals with ADAMTS2-related conditions. This variant is not present in population databases (ExAC no frequency). This sequence change replaces tryptophan with serine at codon 448 of the ADAMTS2 protein (p.Trp448Ser). The tryptophan residue is highly conserved and there is a large physicochemical difference between tryptophan and serine.

NM_014244.5(ADAMTS2):c.1343G>C (p.Trp448Ser)

Gene: ADAMTS2 (ADAM metallopeptidase with thrombospondin type 1 motif 2; minus strand). Cytogenetic location: 5q35.3.
Variant type: single nucleotide variant.
Coding change: c.1343G>C on transcript NM_014244.5 (MANE Select); coding-DNA position 1343, G replaced by C.
Protein change: p.Trp448Ser; replaces tryptophan 448 with serine.
Molecular consequence: missense variant.
Genome position (GRCh38, 1-based): chr5:179,154,088, C>G on the plus strand (G>C on the coding strand, the complement: ADAMTS2 is on the minus strand). VCF-style: chr5-179154088-C-G. GRCh37 (hg19) VCF-style: chr5-178581089-C-G.
Other names: c.1343G>C, p.Trp448Ser (NM_021599.4); short protein forms W448S.
Identifiers: ClinVar variation 937863 (VCV000937863.10), dbSNP rs1763419118, ClinGen allele CA362433442.